The following is an entry in ClinVar:

NM_018993.4(RIN2):c.2091C>A (p.Asp697Glu)

Gene: RIN2 (Ras and Rab interactor 2; plus strand). Cytogenetic location: 20p11.23.
Variant type: single nucleotide variant.
Coding change: c.2091C>A on transcript NM_018993.4 (MANE Select); coding-DNA position 2091, C replaced by A.
Protein change: p.Asp697Glu; replaces aspartic acid 697 with glutamic acid.
Molecular consequence: missense variant.
Genome position (GRCh38, 1-based): chr20:19,992,190, C>A. VCF-style: chr20-19992190-C-A. GRCh37 (hg19) VCF-style: chr20-19972834-C-A.
Other names: c.2238C>A, p.Asp746Glu (NM_001242581.2); c.1473C>A, p.Asp491Glu (NM_001378238.1); short protein forms D491E, D697E, D746E.
Identifiers: ClinVar variation 1189468 (VCV001189468.9), dbSNP rs188766763, ClinGen allele CA9780221.
Genomic context (GRCh38, chr20:19,992,190, plus strand): 5'-GGTAAAAATATTCCATCTCCTTCTCTTCCTGCTCTCAGGGAGGATGTATGGCGCTGATGA[C>A]TTCTTGCCAGTCCTGACCTATGTCATAGCCCAGTGTGACATGCTTGAATTGGACACTGAA-3'
Protein context (NP_061866.1, residues 687-707): NNSGRMYGAD[Asp697Glu]FLPVLTYVIA

ClinVar aggregate classification (germline): Uncertain significance. Review status: criteria provided, multiple submitters, no conflicts (2 of 4 stars). 3 submissions from 3 submitters: Uncertain significance (3). Last evaluated 2024-08-20.

Conditions:
Inborn genetic diseases. Identifiers: MedGen C0950123, MeSH D030342.

Allele frequency attached by ClinVar (database versions not stated): gnomAD 0.00001; gnomAD exomes 0.00003 and 0.00011; TOPMed 0.00003; ExAC 0.00004.
gnomAD v4.1: 166 of 1,612,874 alleles (0.01%); highest among the groups gnomAD compares: Non-Finnish European, 0.014%; no homozygotes.

Submissions (3):

Ambry Genetics
Classification: Uncertain significance for Inborn genetic diseases. Last evaluated: 2024-08-20. Review status: criteria provided, single submitter. Criteria: Ambry Variant Classification Scheme 2023. Collection method: clinical testing. Allele origin: germline.

GeneDx
Classification: Uncertain significance. Last evaluated: 2022-04-20. Review status: criteria provided, single submitter. Criteria: GeneDx Variant Classification Process June 2021. Collection method: clinical testing. Allele origin: germline. Affected: yes.
Comment: Not observed at significant frequency in large population cohorts (gnomAD); In silico analysis supports that this missense variant has a deleterious effect on protein structure/function; Has not been previously published as pathogenic or benign to our knowledge

Labcorp Genetics (formerly Invitae), Labcorp
Classification: Uncertain significance. Last evaluated: 2021-12-02. Review status: criteria provided, single submitter. Criteria: Invitae Variant Classification Sherloc (09022015). Collection method: clinical testing. Allele origin: germline.
Comment: This sequence change replaces aspartic acid, which is acidic and polar, with glutamic acid, which is acidic and polar, at codon 697 of the RIN2 protein (p.Asp697Glu). This variant is present in population databases (rs188766763, gnomAD 0.008%). This variant has not been reported in the literature in individuals affected with RIN2-related conditions. ClinVar contains an entry for this variant (Variation ID: 1189468). Algorithms developed to predict the effect of missense changes on protein structure and function are either unavailable or do not agree on the potential impact of this missense change (SIFT: "Deleterious"; PolyPhen-2: "Not Available"; Align-GVGD: "Class C0"). In summary, the available evidence is currently insufficient to determine the role of this variant in disease. Therefore, it has been classified as a Variant of Uncertain Significance.